The following is an entry in ClinVar:

NM_000051.4(ATM):c.1802+3A>T

Gene: ATM (ATM serine/threonine kinase; plus strand). Cytogenetic location: 11q22.3.
Variant type: single nucleotide variant.
Coding change: c.1802+3A>T on transcript NM_000051.4 (MANE Select); 3 bases into the intron after coding-DNA position 1802, A replaced by T.
Molecular consequence: intron variant.
Genome position (GRCh38, 1-based): chr11:108,252,034, A>T. VCF-style: chr11-108252034-A-T. GRCh37 (hg19) VCF-style: chr11-108122761-A-T.
Other names: c.1802+3A>T (NM_000051.3, NM_001351834.2).
Identifiers: ClinVar variation 1062148 (VCV001062148.26), dbSNP rs1591528500, ClinGen allele CA2499220574.

ClinVar aggregate classification (germline): Uncertain significance. Review status: criteria provided, multiple submitters, no conflicts (2 of 4 stars). 4 submissions from 4 submitters: Uncertain significance (3). 1 of the submissions does not count toward it. Last evaluated 2025-04-09.

Conditions:
Hereditary cancer-predisposing syndrome. Also called: Neoplastic Syndromes, Hereditary; Tumor predisposition; Hereditary neoplastic syndrome; Hereditary Cancer Syndrome. Identifiers: Orphanet 140162, MedGen C0027672, MeSH D009386, MONDO:0015356.
Ataxia-telangiectasia syndrome (AT). Also called: Ataxia-telangiectasia, complementation group E; ATAXIA-TELANGIECTASIA, COMPLEMENTATION GROUP A; ATAXIA-TELANGIECTASIA, FRESNO VARIANT; Ataxia-telangiectasia; LOUIS-BAR SYNDROME; Cerebello-oculocutaneous telangiectasia. Identifiers: Orphanet 100, MedGen C0004135, MONDO:0008840, OMIM 208900.

Submissions (4):

Labcorp Genetics (formerly Invitae), Labcorp
Classification: Uncertain significance for Ataxia-telangiectasia syndrome. Last evaluated: 2025-04-09. Review status: criteria provided, single submitter. Criteria: Invitae Variant Classification Sherloc (09022015). Collection method: clinical testing. Allele origin: germline.
Comment: This sequence change falls in intron 11 of the ATM gene. It does not directly change the encoded amino acid sequence of the ATM protein. It affects a nucleotide within the consensus splice site. This variant is not present in population databases (gnomAD no frequency). This variant has not been reported in the literature in individuals affected with ATM-related conditions. ClinVar contains an entry for this variant (Variation ID: 1062148). Variants that disrupt the consensus splice site are a relatively common cause of aberrant splicing (PMID: 17576681, 9536098). Algorithms developed to predict the effect of sequence changes on RNA splicing suggest that this variant may disrupt the consensus splice site. In summary, the available evidence is currently insufficient to determine the role of this variant in disease. Therefore, it has been classified as a Variant of Uncertain Significance.

CeGaT Center for Human Genetics Tuebingen
Classification: Uncertain significance. Last evaluated: 2025-02-01. Review status: criteria provided, single submitter. Criteria: CeGaT Center For Human Genetics Tuebingen Variant Classification Criteria Version 2. Collection method: clinical testing. Allele origin: germline. Affected: yes. Observed: 1 variant allele.
Comment: ATM: PM2, BP4

Ambry Genetics
Classification: Uncertain significance for Hereditary cancer-predisposing syndrome. Last evaluated: 2021-03-17. Review status: criteria provided, single submitter. Criteria: Ambry Variant Classification Scheme 2023. Collection method: clinical testing. Allele origin: germline.
Comment: The c.1802+3A>T intronic variant results from an A to T substitution 3 nucleotides after coding exon 10 in the ATM gene. This nucleotide position is well conserved in available vertebrate species. In silico splice site analysis predicts that this alteration will weaken the native splice donor site; however, direct evidence is insufficient at this time (Ambry internal data). Since supporting evidence is limited at this time, the clinical significance of this alteration remains unclear.

Natera, Inc.
Classification: Uncertain significance for Ataxia-telangiectasia. Last evaluated: 2020-06-17. Review status: no assertion criteria provided. Collection method: clinical testing. Allele origin: germline. Not counted in ClinVar's aggregate classification.

Literature cited by the submitters: PubMed 17576681 (cited by Labcorp Genetics (formerly Invitae), Labcorp); PubMed 9536098 (cited by Labcorp Genetics (formerly Invitae), Labcorp).